The following is an entry in ClinVar:

ClinVar aggregate classification (germline): Uncertain significance. Review status: criteria provided, multiple submitters, no conflicts (2 of 4 stars). 6 submissions from 6 submitters: Uncertain significance (5). 1 of the submissions does not count toward it. Last evaluated 2022-10-13.

Conditions:
Methylmalonic aciduria due to complete methylmalonyl-CoA mutase deficiency.
Methylmalonic aciduria due to methylmalonyl-CoA mutase deficiency (MAMM). Also called: Methylmalonic aciduria, mut type. Identifiers: Orphanet 27, MedGen C1855114, MONDO:0009612, OMIM 251000.

Allele frequency attached by ClinVar (database versions not stated): 1000 Genomes Project 30x 0.00016; 1000 Genomes Project 0.00020; ExAC 0.00045; ESP Exome Variant Server 0.00046; gnomAD 0.00048 and 0.00050; gnomAD exomes 0.00048 and 0.00049; TOPMed 0.00048.
gnomAD v4.1: 783 of 1,613,998 alleles (0.049%); highest among the groups gnomAD compares: Admixed American, 0.13%; no homozygotes.

Submissions (6):

Labcorp Genetics (formerly Invitae), Labcorp
Classification: Uncertain significance. Last evaluated: 2022-10-13. Review status: criteria provided, single submitter. Criteria: Invitae Variant Classification Sherloc (09022015). Collection method: clinical testing. Allele origin: germline.
Comment: This sequence change replaces isoleucine, which is neutral and non-polar, with threonine, which is neutral and polar, at codon 372 of the MUT protein (p.Ile372Thr). This variant is present in population databases (rs150968643, gnomAD 0.2%), and has an allele count higher than expected for a pathogenic variant. This variant has not been reported in the literature in individuals affected with MUT-related conditions. ClinVar contains an entry for this variant (Variation ID: 290030). Advanced modeling of protein sequence and biophysical properties (such as structural, functional, and spatial information, amino acid conservation, physicochemical variation, residue mobility, and thermodynamic stability) has been performed at Invitae for this missense variant, however the output from this modeling did not meet the statistical confidence thresholds required to predict the impact of this variant on MUT protein function. In summary, the available evidence is currently insufficient to determine the role of this variant in disease. Therefore, it has been classified as a Variant of Uncertain Significance.

GeneDx
Classification: Uncertain significance. Last evaluated: 2022-06-23. Review status: criteria provided, single submitter. Criteria: GeneDx Variant Classification Process June 2021. Collection method: clinical testing. Allele origin: germline. Affected: yes.
Comment: In silico analysis supports that this missense variant has a deleterious effect on protein structure/function; Has not been previously published as pathogenic or benign to our knowledge

Fulgent Genetics
Classification: Uncertain significance for Methylmalonic aciduria due to methylmalonyl-CoA mutase deficiency. Last evaluated: 2022-02-09. Review status: criteria provided, single submitter. Criteria: ACMG Guidelines, 2015. Collection method: clinical testing. Allele origin: unknown.

Illumina Laboratory Services, Illumina
Classification: Uncertain significance for Methylmalonic aciduria due to methylmalonyl-CoA mutase deficiency. Last evaluated: 2018-01-12. Review status: criteria provided, single submitter. Criteria: ICSL Variant Classification Criteria 13 December 2019. Collection method: clinical testing. Allele origin: germline.

Eurofins Ntd Llc (ga)
Classification: Uncertain significance. Last evaluated: 2016-08-12. Review status: criteria provided, single submitter. Criteria: EGL Classification Definitions 2015. Collection method: clinical testing. Allele origin: germline. Observed: 1 variant allele, 1 heterozygote.

Natera, Inc.
Classification: Uncertain significance for Methylmalonic aciduria due to complete methylmalonyl-CoA mutase deficiency. Last evaluated: 2020-01-09. Review status: no assertion criteria provided. Collection method: clinical testing. Allele origin: germline. Not counted in ClinVar's aggregate classification.

NM_000255.4(MMUT):c.1115T>C (p.Ile372Thr)

Gene: MMUT (methylmalonyl-CoA mutase; minus strand). Cytogenetic location: 6p12.3.
Variant type: single nucleotide variant.
Coding change: c.1115T>C on transcript NM_000255.4 (MANE Select); coding-DNA position 1115, T replaced by C.
Protein change: p.Ile372Thr; replaces isoleucine 372 with threonine.
Molecular consequence: missense variant.
Genome position (GRCh38, 1-based): chr6:49,451,683, A>G on the plus strand (T>C on the coding strand, the complement: MMUT is on the minus strand). VCF-style: chr6-49451683-A-G. GRCh37 (hg19) VCF-style: chr6-49419396-A-G.
Other names: short protein forms I372T.
Identifiers: ClinVar variation 290030 (VCV000290030.15), dbSNP rs150968643, ClinGen allele CA3846956.
Genomic context (GRCh38, chr6:49,451,683, plus strand): 5'-TCATCAAAAGAATTTGTGTGCAAAGACTGAGTCCCTCCAAATACTGCTGCCATTGCTTCT[A>G]TTGCAGTACGGACAATATTATTGTAGGGATCCTAAAATATTTGATAAAAAACAAAAACTC-3'
Protein context (NP_000246.2, residues 362-382): DPYNNIVRTA[Ile372Thr]EAMAAVFGGT